The following is an entry in ClinVar:

NM_138420.4(AHNAK2):c.5063T>C (p.Val1688Ala)

Gene: AHNAK2 (AHNAK nucleoprotein 2; minus strand). Cytogenetic location: 14q32.33.
Variant type: single nucleotide variant.
Coding change: c.5063T>C on transcript NM_138420.4 (MANE Select); coding-DNA position 5063, T replaced by C.
Protein change: p.Val1688Ala; replaces valine 1688 with alanine.
Molecular consequence: missense variant.
Genome position (GRCh38, 1-based): chr14:104,950,388, A>G on the plus strand (T>C on the coding strand, the complement: AHNAK2 is on the minus strand). VCF-style: chr14-104950388-A-G. GRCh37 (hg19) VCF-style: chr14-105416725-A-G.
Other names: c.4763T>C, p.Val1588Ala (NM_001350929.2); short protein forms V1688A, V1588A.
Identifiers: ClinVar variation 2344856 (VCV002344856.16), dbSNP rs775652679, ClinGen allele CA7382023.

ClinVar aggregate classification (germline): Likely benign. Review status: criteria provided, multiple submitters, no conflicts (2 of 4 stars). 2 submissions from 2 submitters: Likely benign (2). Last evaluated 2025-04-01.

Allele frequency attached by ClinVar (database versions not stated): gnomAD 0.00084; 1000 Genomes Project 30x 0.00109.

Submissions (2):

CeGaT Center for Human Genetics Tuebingen
Classification: Likely benign. Last evaluated: 2025-04-01. Review status: criteria provided, single submitter. Criteria: CeGaT Center For Human Genetics Tuebingen Variant Classification Criteria Version 2. Collection method: clinical testing. Allele origin: germline. Affected: yes. Observed: 2 variant alleles.
Comment: AHNAK2: BP4, BS2

Ambry Genetics
Classification: Likely benign. Last evaluated: 2021-10-27. Review status: criteria provided, single submitter. Criteria: Ambry Variant Classification Scheme 2023. Collection method: clinical testing. Allele origin: germline.